The following is an entry in ClinVar:

NM_000219.6(KCNE1):c.264A>G (p.Gln88=)

Gene: KCNE1 (potassium voltage-gated channel subfamily E regulatory subunit 1; minus strand). Cytogenetic location: 21q22.12.
Variant type: single nucleotide variant.
Coding change: c.264A>G on transcript NM_000219.6 (MANE Select); coding-DNA position 264, A replaced by G.
Protein change: p.Gln88=; no amino-acid change (glutamine 88 retained).
Molecular consequence: synonymous variant.
Genome position (GRCh38, 1-based): chr21:34,449,371, T>C on the plus strand (A>G on the coding strand, the complement: KCNE1 is on the minus strand). VCF-style: chr21-34449371-T-C. GRCh37 (hg19) VCF-style: chr21-35821669-T-C.
Other names: c.264A>G, p.Gln88= (NM_001127668.4, NM_001127669.4, NM_001127670.4 and 4 more transcripts).
Identifiers: ClinVar variation 1037173 (VCV001037173.10), dbSNP rs1478444473, ClinGen allele CA748860213.

ClinVar aggregate classification (germline): Likely benign (1 of 4 stars; one submission).

Conditions:
Long QT syndrome (LQTS). Identifiers: MedGen C0023976, MeSH D008133, MONDO:0002442. Disease mechanism: loss of function. Inheritance: Various modes of inheritance.

Allele frequency attached by ClinVar (database versions not stated): gnomAD 0.00001; TOPMed 0.00001.

Submissions (2):

Labcorp Genetics (formerly Invitae), Labcorp
Classification: Likely benign for Long QT syndrome. Last evaluated: 2025-07-29. Review status: criteria provided, single submitter. Criteria: Invitae Variant Classification Sherloc (09022015). Collection method: clinical testing. Allele origin: germline.

Roden Lab, Vanderbilt University Medical Center
No classification provided (evidence only). Condition: Long QT syndrome 5. Review status: no classification provided. Collection method: in vitro. Allele origin: not applicable. Functional consequence: Effect on ion channel function. Not counted in ClinVar's aggregate classification.
ClinVar note: "not provided" was previously submitted as the classification for the variant. However, the classification appeared to be based only on an observation of functional data so it was converted to no classification on 2025-07-30.